The following is an entry in ClinVar:

ClinVar aggregate classification (germline): Uncertain significance (1 of 4 stars; one submission).

Conditions:
Inborn genetic diseases. Identifiers: MedGen C0950123, MeSH D030342.

Submissions (2):

Ambry Genetics
Classification: Uncertain significance for Inborn genetic diseases. Last evaluated: 2025-04-07. Review status: criteria provided, single submitter. Criteria: Ambry Variant Classification Scheme 2023. Collection method: clinical testing. Allele origin: germline.
Comment: The c.1302+1G>A intronic variant results from a G to A substitution one nucleotide after coding exon 12 of the DDX41 gene. Alterations that disrupt the canonical splice site are expected to result in aberrant splicing. This nucleotide position is highly conserved in available vertebrate species. In silico splice site analysis predicts that this alteration will weaken the native splice donor site. The resulting transcript is predicted to be in-frame and is not expected to trigger nonsense-mediated mRNAdecay. RNA studies have demonstrated that this alteration results in a transcript predicted to lead to a protein with an in-frame deletion of 24 amino acid(s); however, the exact functional impact of the deleted amino acid(s) is unknown at this time (Ambry internal data). Based on the available evidence, the clinical significance of this variant remains unclear.

Dr. Peter K. Rogan Lab, Western University
No classification provided (evidence only). Condition: Pancreatic adenocarcinoma. Review status: no classification provided. Collection method: in vitro. Allele origin: not applicable. Functional consequence: skipped exon, retained intron. Not counted in ClinVar's aggregate classification.

NM_016222.4(DDX41):c.1302+1G>A

Gene: DDX41 (DEAD-box helicase 41; minus strand). Cytogenetic location: 5q35.3.
Variant type: single nucleotide variant.
Coding change: c.1302+1G>A on transcript NM_016222.4 (MANE Select); the canonical splice donor site of the intron after coding-DNA position 1302, G replaced by A.
Molecular consequence: splice donor variant.
Genome position (GRCh38, 1-based): chr5:177,513,010, C>T on the plus strand (G>A on the coding strand, the complement: DDX41 is on the minus strand). VCF-style: chr5-177513010-C-T. GRCh37 (hg19) VCF-style: chr5-176940011-C-T.
Other names: NC_000005.9:g.176940011C>T; c.924+1G>A (NM_001321830.2, NM_001321732.2).
Identifiers: ClinVar variation 4010285 (VCV004010285.2).